The following is an entry in ClinVar:

NC_000001.10:g.(?_145414693)_(145417545_?)del

Gene: HJV (hemojuvelin BMP co-receptor; minus strand). Cytogenetic location: 1q21.1.
Variant type: Deletion.
Identifiers: ClinVar variation 417403 (VCV000417403.1).

ClinVar aggregate classification (germline): Pathogenic (1 of 4 stars; one submission).

Conditions:
Hemochromatosis type 2A (HFE2A). Also called: Adult-Onset Hemochromatosis; HJV (HFE2)-Related Juvenile Hemochromatosis. Identifiers: Orphanet 79230, MedGen C1865614, MONDO:0011216, OMIM 602390.

Submission:

Labcorp Genetics (formerly Invitae), Labcorp
Classification: Pathogenic for Hemochromatosis type 2A. Last evaluated: 2017-01-08. Review status: criteria provided, single submitter. Criteria: Invitae Variant Classification Sherloc (09022015). Collection method: clinical testing. Allele origin: germline.
Comment: A gross deletion of the genomic region encompassing the full coding sequence of the HFE2 gene has been identified. The boundaries of this event are unknown as the deletion extends beyond the assayed region for this gene and therefore may encompass additional genes. While a whole gene deletion of HFE2 has not been reported in the literature, loss-of-function variants in HFE2 are known to be pathogenic (PMID: 14982873, 21901660). For these reasons, this variant has been classified as Pathogenic.